The following is an entry in ClinVar:

NM_198576.4(AGRN):c.3416A>C (p.Glu1139Ala)

Gene: AGRN (agrin; plus strand). Cytogenetic location: 1p36.33.
Variant type: single nucleotide variant.
Coding change: c.3416A>C on transcript NM_198576.4 (MANE Select); coding-DNA position 3416, A replaced by C.
Protein change: p.Glu1139Ala; replaces glutamic acid 1139 with alanine.
Molecular consequence: missense variant.
Genome position (GRCh38, 1-based): chr1:1,047,354, A>C. VCF-style: chr1-1047354-A-C. GRCh37 (hg19) VCF-style: chr1-982734-A-C.
Other names: c.3416A>C, p.Glu1139Ala (NM_001305275.2); c.3101A>C, p.Glu1034Ala (NM_001364727.2); c.3416A>C (NM_198576.3); short protein forms E1139A, E1034A.
Identifiers: ClinVar variation 1389700 (VCV001389700.7), dbSNP rs758652107, ClinGen allele CA509065.

ClinVar aggregate classification (germline): Uncertain significance. Review status: criteria provided, multiple submitters, no conflicts (2 of 4 stars). 2 submissions from 2 submitters: Uncertain significance (2). Last evaluated 2024-12-04.

Conditions:
Inborn genetic diseases. Identifiers: MedGen C0950123, MeSH D030342.
Congenital myasthenic syndrome 8. Also called: MYASTHENIC SYNDROME, CONGENITAL, DUE TO AGRIN DEFICIENCY; Myasthenic syndrome, congenital, 8, with pre- and postsynaptic defects. Identifiers: Orphanet 590, MedGen C3808739, MONDO:0014052, OMIM 615120.

Allele frequency attached by ClinVar (database versions not stated): TOPMed below 0.00001; ExAC 0.00001; gnomAD exomes 0.00001.
gnomAD v4.1: 4 of 1,608,120 alleles (0.00025%); highest among the groups gnomAD compares: Non-Finnish European, 0.00034%; no homozygotes.

Submissions (2):

Ambry Genetics
Classification: Uncertain significance for Inborn genetic diseases. Last evaluated: 2024-12-04. Review status: criteria provided, single submitter. Criteria: Ambry Variant Classification Scheme 2023. Collection method: clinical testing. Allele origin: germline.

Labcorp Genetics (formerly Invitae), Labcorp
Classification: Uncertain significance for Congenital myasthenic syndrome 8. Last evaluated: 2022-07-12. Review status: criteria provided, single submitter. Criteria: Invitae Variant Classification Sherloc (09022015). Collection method: clinical testing. Allele origin: germline.
Comment: This sequence change replaces glutamic acid, which is acidic and polar, with alanine, which is neutral and non-polar, at codon 1139 of the AGRN protein (p.Glu1139Ala). This variant is present in population databases (rs758652107, gnomAD 0.002%). This variant has not been reported in the literature in individuals affected with AGRN-related conditions. ClinVar contains an entry for this variant (Variation ID: 1389700). Algorithms developed to predict the effect of missense changes on protein structure and function are either unavailable or do not agree on the potential impact of this missense change (SIFT: "Tolerated"; PolyPhen-2: "Probably Damaging"; Align-GVGD: "Class C0"). In summary, the available evidence is currently insufficient to determine the role of this variant in disease. Therefore, it has been classified as a Variant of Uncertain Significance.